The following is an entry in ClinVar:

ClinVar aggregate classification (germline): Pathogenic. Review status: criteria provided, multiple submitters, no conflicts (2 of 4 stars). 9 submissions from 9 submitters: Pathogenic (9). Last evaluated 2026-01-23.

Conditions:
Primary ciliary dyskinesia. Also called: Ciliary dyskinesia. Identifiers: Orphanet 244, MedGen C0008780, MONDO:0016575, HP:0012265.
Primary ciliary dyskinesia 3. Identifiers: Orphanet 244, MedGen C1837618, MONDO:0012085, OMIM 608644.
DNAH5-related disorder. Also called: DNAH5-related condition.

Submissions (9):

PreventionGenetics, part of Exact Sciences
Classification: Pathogenic for DNAH5-related condition. Last evaluated: 2026-01-23. Review status: criteria provided, single submitter. Criteria: ACMG Guidelines, 2015. Collection method: clinical testing. Allele origin: germline.
Comment: The DNAH5 c.5281C>T variant is predicted to result in premature protein termination (p.Arg1761*). This variant has previously been reported in the compound heterozygous state in patients with primary ciliary dyskinesia (PCD) (Hornef et al. 2006. PubMed ID: 16627867; Failly et al. 2009. PubMed ID: 19357118). This variant is reported in 0.0048% of alleles in individuals of European (Finnish) descent in gnomAD. Nonsense variants in DNAH5 are expected to be pathogenic. This variant is interpreted as pathogenic.

Natera, Inc.
Classification: Pathogenic for Primary ciliary dyskinesia. Last evaluated: 2025-10-09. Review status: criteria provided, single submitter. Criteria: Natera Variant Classification Schema (03/2026). Collection method: clinical testing. Allele origin: germline.
Comment: The c.5281C>T variant in DNAH5 is a nonsense variant predicted to introduce a stop codon at amino acid 1761. This variant is expected to result in nonsense mediated decay, truncation, or a dysfunctional protein product. This variant is rare in the general population with a frequency below the threshold expected for the associated phenotype(s). This variant has been observed in one or more individuals affected with the associated recessive disease, as either homozygous or compound heterozygous with a second variant (PMID: 16627867, 19357118). Given the available evidence, this variant is classified as Pathogenic.

First Genomix Gene Laboratory, Genetic Diagnostics Department
Classification: Pathogenic for Primary ciliary dyskinesia 3. Last evaluated: 2025-01-14. Review status: criteria provided, single submitter. Criteria: ACMG Guidelines, 2015. Collection method: clinical testing. Allele origin: germline. Inheritance: Autosomal recessive inheritance. Affected: no. Observed: 1 variant allele.

Ambry Genetics
Classification: Pathogenic for Primary ciliary dyskinesia. Last evaluated: 2024-12-26. Review status: criteria provided, single submitter. Criteria: Ambry Variant Classification Scheme 2023. Collection method: clinical testing. Allele origin: germline.
Comment: The p.R1761* pathogenic mutation (also known as c.5281C>T), located in coding exon 33 of the DNAH5 gene, results from a C to T substitution at nucleotide position 5281. This changes the amino acid from an arginine to a stop codon within coding exon 33. This variant has been identified in the homozygous state and/or in conjunction with other DNAH5 variant(s) in individual(s) with features consistent with primary ciliary dyskinesia (Hornef N et al. Am J Respir Crit Care Med, 2006 Jul;174:120-6; Failly M et al. J Med Genet, 2009 Apr;46:281-6; Hagen EM et al. Hum Genet, 2016 Dec;135:1355-1364). This alteration is expected to result in loss of function by premature protein truncation or nonsense-mediated mRNA decay. As such, this alteration is interpreted as a disease-causing mutation.

Myriad Genetics, Inc.
Classification: Pathogenic for Primary ciliary dyskinesia 3. Last evaluated: 2024-05-06. Review status: criteria provided, single submitter. Criteria: Myriad Autosomal Dominant, Autosomal Recessive and X-Linked Classification Criteria (2023). Collection method: clinical testing. Allele origin: unknown.
Comment: NM_001369.2(DNAH5):c.5281C>T(R1761*) is expected to be pathogenic in the context of primary ciliary dyskinesia, DNAH5-related. This variant is predicted to lead to an abnormal or absent protein product due to the creation of a premature termination codon in DNAH5, a gene where loss-of-function variants are known to be pathogenic. Please note: this variant was assessed in the context of healthy population screening.

Labcorp Genetics (formerly Invitae), Labcorp
Classification: Pathogenic for Primary ciliary dyskinesia. Last evaluated: 2024-03-28. Review status: criteria provided, single submitter. Criteria: Invitae Variant Classification Sherloc (09022015). Collection method: clinical testing. Allele origin: germline.
Comment: This sequence change creates a premature translational stop signal (p.Arg1761*) in the DNAH5 gene. It is expected to result in an absent or disrupted protein product. Loss-of-function variants in DNAH5 are known to be pathogenic (PMID: 11788826, 16627867). This variant is present in population databases (rs148891849, gnomAD 0.005%). This premature translational stop signal has been observed in individual(s) with primary ciliary dyskinesia (PMID: 16627867, 19357118). ClinVar contains an entry for this variant (Variation ID: 220475). Algorithms developed to predict the effect of sequence changes on RNA splicing suggest that this variant may disrupt the consensus splice site. For these reasons, this variant has been classified as Pathogenic.

Fulgent Genetics
Classification: Pathogenic for Primary ciliary dyskinesia 3. Last evaluated: 2022-01-05. Review status: criteria provided, single submitter. Criteria: ACMG Guidelines, 2015. Collection method: clinical testing. Allele origin: unknown.

Revvity Omics, Revvity
Classification: Pathogenic for Primary ciliary dyskinesia 3. Last evaluated: 2021-08-30. Review status: criteria provided, single submitter. Criteria: ACMG Guidelines, 2015. Collection method: clinical testing. Allele origin: germline.

Centre for Genomic and Experimental Medicine, University of Edinburgh
Classification: Pathogenic for Primary ciliary dyskinesia. Last evaluated: 2020-04-01. Review status: criteria provided, single submitter. Criteria: ACMG Guidelines, 2015. Collection method: research. Allele origin: inherited, unknown. Affected: yes and no. Observed: 1 heterozygote, 2 compound heterozygotes.

Literature cited by the submitters: PubMed 16627867 (cited by 3 submitters); PubMed 19357118 (cited by 3 submitters); PubMed 27637763 (cited by Ambry Genetics); PubMed 11788826 (cited by Labcorp Genetics (formerly Invitae), Labcorp).

NM_001369.3(DNAH5):c.5281C>T (p.Arg1761Ter)

Gene: DNAH5 (dynein axonemal heavy chain 5; minus strand). Cytogenetic location: 5p15.2.
Variant type: single nucleotide variant.
Coding change: c.5281C>T on transcript NM_001369.3 (MANE Select); coding-DNA position 5281, C replaced by T.
Protein change: p.Arg1761Ter; replaces arginine 1761 with a stop codon.
Molecular consequence: nonsense.
Genome position (GRCh38, 1-based): chr5:13,841,895, G>A on the plus strand (C>T on the coding strand, the complement: DNAH5 is on the minus strand). VCF-style: chr5-13841895-G-A. GRCh37 (hg19) VCF-style: chr5-13842004-G-A.
Other names: short protein forms R1761*.
Identifiers: ClinVar variation 220475 (VCV000220475.22), dbSNP rs148891849, ClinGen allele CA348934.